The following is an entry in ClinVar:

NM_020458.4(TTC7A):c.1808T>C (p.Met603Thr)

Gene: TTC7A (tetratricopeptide repeat domain 7A; plus strand). Cytogenetic location: 2p21.
Variant type: single nucleotide variant.
Coding change: c.1808T>C on transcript NM_020458.4 (MANE Select); coding-DNA position 1808, T replaced by C.
Protein change: p.Met603Thr; replaces methionine 603 with threonine.
Molecular consequence: missense variant.
Genome position (GRCh38, 1-based): chr2:47,046,320, T>C. VCF-style: chr2-47046320-T-C. GRCh37 (hg19) VCF-style: chr2-47273459-T-C.
Other names: c.1808T>C, p.Met603Thr (NM_001288951.2); c.1706T>C, p.Met569Thr (NM_001288953.2); c.746T>C, p.Met249Thr (NM_001288955.2); short protein forms M249T, M569T, M603T.
Identifiers: ClinVar variation 1355352 (VCV001355352.5), dbSNP rs571512966, ClinGen allele CA1647877.
Genomic context (GRCh38, chr2:47,046,320, plus strand): 5'-AGGTGAAAGTGGGCCCTTGCTGGGGTGTGCTGATGGCCACTCTCCGTCCCCACAGCCTGA[T>C]GTTCACCAAGGTGAAGCTGGAGCAGGTGCTGAAAGGCCCAGAGGAAGCCCTCGTGACCTG-3'
Protein context (NP_065191.2, residues 593-613): ITEHPENFNL[Met603Thr]FTKVKLEQVL

ClinVar aggregate classification (germline): Uncertain significance (1 of 4 stars; one submission).

Conditions:
Multiple gastrointestinal atresias. Also called: FAMILIAL INTESTINAL POLYATRESIA SYNDROME; Multiple intestinal atresia. Identifiers: Orphanet 2300, MedGen C0220744, MONDO:0009465.

Allele frequency attached by ClinVar (database versions not stated): gnomAD exomes below 0.00001; TOPMed below 0.00001; gnomAD 0.00001; ExAC 0.00002; 1000 Genomes Project 30x 0.00016; 1000 Genomes Project 0.00020.
gnomAD v4.1: 7 of 1,613,384 alleles (0.00043%); highest among the groups gnomAD compares: South Asian, 0.0055%; no homozygotes.

Submission:

Labcorp Genetics (formerly Invitae), Labcorp
Classification: Uncertain significance for Multiple gastrointestinal atresias. Last evaluated: 2022-06-28. Review status: criteria provided, single submitter. Criteria: Invitae Variant Classification Sherloc (09022015). Collection method: clinical testing. Allele origin: germline.
Comment: In summary, the available evidence is currently insufficient to determine the role of this variant in disease. Therefore, it has been classified as a Variant of Uncertain Significance. Algorithms developed to predict the effect of missense changes on protein structure and function are either unavailable or do not agree on the potential impact of this missense change (SIFT: "Deleterious"; PolyPhen-2: "Benign"; Align-GVGD: "Class C0"). This variant has not been reported in the literature in individuals affected with TTC7A-related conditions. This variant is present in population databases (rs571512966, gnomAD 0.006%). This sequence change replaces methionine, which is neutral and non-polar, with threonine, which is neutral and polar, at codon 603 of the TTC7A protein (p.Met603Thr).